The following is an entry in ClinVar:

ClinVar aggregate classification (germline): Uncertain significance. Review status: criteria provided, multiple submitters, no conflicts (2 of 4 stars). 2 submissions from 2 submitters: Uncertain significance (2). Last evaluated 2026-01-14.

Conditions:
Hereditary cancer-predisposing syndrome. Also called: Hereditary neoplastic syndrome; Tumor predisposition; Neoplastic Syndromes, Hereditary; Hereditary Cancer Syndrome. Identifiers: Orphanet 140162, MedGen C0027672, MeSH D009386, MONDO:0015356.

Allele frequency attached by ClinVar (database versions not stated): gnomAD exomes below 0.00001.
gnomAD v4.1: 1 of 1,613,026 alleles (0.000062%); highest among the groups gnomAD compares: Non-Finnish European, 0.000085%; no homozygotes.

Submissions (2):

Ambry Genetics
Classification: Uncertain significance for Hereditary cancer-predisposing syndrome. Last evaluated: 2026-01-14. Review status: criteria provided, single submitter. Criteria: Ambry Variant Classification Scheme 2023. Collection method: clinical testing. Allele origin: germline.
Comment: The p.T361I variant (also known as c.1082C>T), located in coding exon 7 of the MSH3 gene, results from a C to T substitution at nucleotide position 1082. The threonine at codon 361 is replaced by isoleucine, an amino acid with similar properties. This amino acid position is conserved. In addition, this alteration is predicted to be tolerated by in silico analysis. Based on the available evidence, the clinical significance of this variant remains unclear.

Labcorp Genetics (formerly Invitae), Labcorp
Classification: Uncertain significance. Last evaluated: 2021-11-13. Review status: criteria provided, single submitter. Criteria: Invitae Variant Classification Sherloc (09022015). Collection method: clinical testing. Allele origin: germline.
Comment: This variant is not present in population databases (gnomAD no frequency). In summary, the available evidence is currently insufficient to determine the role of this variant in disease. Therefore, it has been classified as a Variant of Uncertain Significance. Algorithms developed to predict the effect of missense changes on protein structure and function (SIFT, PolyPhen-2, Align-GVGD) all suggest that this variant is likely to be tolerated. This variant has not been reported in the literature in individuals affected with MSH3-related conditions. This sequence change replaces threonine, which is neutral and polar, with isoleucine, which is neutral and non-polar, at codon 361 of the MSH3 protein (p.Thr361Ile).

NM_002439.5(MSH3):c.1082C>T (p.Thr361Ile)

Gene: MSH3 (mutS homolog 3; plus strand). Cytogenetic location: 5q14.1.
Variant type: single nucleotide variant.
Coding change: c.1082C>T on transcript NM_002439.5 (MANE Select); coding-DNA position 1082, C replaced by T.
Protein change: p.Thr361Ile; replaces threonine 361 with isoleucine.
Molecular consequence: missense variant.
Genome position (GRCh38, 1-based): chr5:80,675,037, C>T. VCF-style: chr5-80675037-C-T. GRCh37 (hg19) VCF-style: chr5-79970856-C-T.
Other names: c.1082C>T (NM_002439.3); short protein forms T361I.
Identifiers: ClinVar variation 1351326 (VCV001351326.7), dbSNP rs2112815982, ClinGen allele CA360268028.
Genomic context (GRCh38, chr5:80,675,037, plus strand): 5'-TATTAAATGTGAATCCCCTAATCAAGCTGGATGATGCTGTAAATGTTGATGAGATAATGA[C>T]TGATACTTCTACCAGCTATCTTCTGTGCATCTCTGAAAATAAGGAAAATGTTAGGGACAA-3'
Protein context (NP_002430.3, residues 351-371): DDAVNVDEIM[Thr361Ile]DTSTSYLLCI